The following is an entry in ClinVar:

ClinVar aggregate classification (germline): Uncertain significance. Review status: criteria provided, multiple submitters, no conflicts (2 of 4 stars). 2 submissions from 2 submitters: Uncertain significance (2). Last evaluated 2025-02-12.

Conditions:
Inborn genetic diseases. Identifiers: MedGen C0950123, MeSH D030342.

Allele frequency attached by ClinVar (database versions not stated): gnomAD exomes below 0.00001.
gnomAD v4.1: 4 of 1,614,148 alleles (0.00025%); highest among the groups gnomAD compares: Non-Finnish European, 0.00034%; no homozygotes.

Submissions (2):

Ambry Genetics
Classification: Uncertain significance for Inborn genetic diseases. Last evaluated: 2025-02-12. Review status: criteria provided, single submitter. Criteria: Ambry Variant Classification Scheme 2023. Collection method: clinical testing. Allele origin: germline.

Labcorp Genetics (formerly Invitae), Labcorp
Classification: Uncertain significance. Last evaluated: 2022-04-23. Review status: criteria provided, single submitter. Criteria: Invitae Variant Classification Sherloc (09022015). Collection method: clinical testing. Allele origin: germline.
Comment: Algorithms developed to predict the effect of missense changes on protein structure and function are either unavailable or do not agree on the potential impact of this missense change (SIFT: "Deleterious"; PolyPhen-2: "Probably Damaging"; Align-GVGD: "Class C0"). In summary, the available evidence is currently insufficient to determine the role of this variant in disease. Therefore, it has been classified as a Variant of Uncertain Significance. This variant has not been reported in the literature in individuals affected with ACBD5-related conditions. This variant is not present in population databases (gnomAD no frequency). This sequence change replaces leucine, which is neutral and non-polar, with proline, which is neutral and non-polar, at codon 499 of the ACBD5 protein (p.Leu499Pro).

NM_145698.5(ACBD5):c.1496T>C (p.Leu499Pro)

Gene: ACBD5 (acyl-CoA binding domain containing 5; minus strand). Cytogenetic location: 10p12.1.
Variant type: single nucleotide variant.
Coding change: c.1496T>C on transcript NM_145698.5 (MANE Select); coding-DNA position 1496, T replaced by C.
Protein change: p.Leu499Pro; replaces leucine 499 with proline.
Molecular consequence: missense variant.
Genome position (GRCh38, 1-based): chr10:27,204,509, A>G on the plus strand (T>C on the coding strand, the complement: ACBD5 is on the minus strand). VCF-style: chr10-27204509-A-G. GRCh37 (hg19) VCF-style: chr10-27493438-A-G.
Other names: c.1496T>C (NM_145698.3); c.1391T>C, p.Leu464Pro (NM_001042473.4, NM_001352577.2, NM_001352578.2 and 1 more transcripts); c.1490T>C, p.Leu497Pro (NM_001271512.3); c.1169T>C, p.Leu390Pro (NM_001301251.2, NM_001301252.2, NM_001301253.2 and 2 more transcripts); c.965T>C, p.Leu322Pro (NM_001301254.2); c.1550T>C, p.Leu517Pro (NM_001352568.1); c.1529T>C, p.Leu510Pro (NM_001352569.1); c.1496T>C, p.Leu499Pro (NM_001352570.1); and 11 more; short protein forms L429P, L442P, L401P, L440P, L446P, L492P, L499P, L510P.
Identifiers: ClinVar variation 1930390 (VCV001930390.6), dbSNP rs2540393631, ClinGen allele CA376372786.